The following is an entry in ClinVar:

ClinVar aggregate classification (germline): Uncertain significance (1 of 4 stars; one submission).

Submission:

Labcorp Genetics (formerly Invitae), Labcorp
Classification: Uncertain significance. Last evaluated: 2025-07-24. Review status: criteria provided, single submitter. Criteria: Invitae Variant Classification Sherloc (09022015). Collection method: clinical testing. Allele origin: germline.
Comment: This sequence change replaces serine, which is neutral and polar, with cysteine, which is neutral and slightly polar, at codon 1602 of the FLNB protein (p.Ser1602Cys). This variant is not present in population databases (gnomAD no frequency). This variant has not been reported in the literature in individuals affected with FLNB-related conditions. ClinVar contains an entry for this variant (Variation ID: 3692697). Invitae Evidence Modeling of protein sequence and biophysical properties (such as structural, functional, and spatial information, amino acid conservation, physicochemical variation, residue mobility, and thermodynamic stability) indicates that this missense variant is not expected to disrupt FLNB protein function with a negative predictive value of 95%. This variant disrupts the p.Ser1602 amino acid residue in FLNB. Other variant(s) that disrupt this residue have been determined to be pathogenic (PMID: 16752402; internal data). This suggests that this residue is clinically significant, and that variants that disrupt this residue are likely to be disease-causing. In summary, the available evidence is currently insufficient to determine the role of this variant in disease. Therefore, it has been classified as a Variant of Uncertain Significance.

Literature cited by the submitters: PubMed 16752402.

NM_001457.4(FLNB):c.4805C>G (p.Ser1602Cys)

Gene: FLNB (filamin B; plus strand). Cytogenetic location: 3p14.3.
Variant type: single nucleotide variant.
Coding change: c.4805C>G on transcript NM_001457.4 (MANE Select); coding-DNA position 4805, C replaced by G.
Protein change: p.Ser1602Cys; replaces serine 1602 with cysteine.
Molecular consequence: missense variant.
Genome position (GRCh38, 1-based): chr3:58,136,112, C>G. VCF-style: chr3-58136112-C-G. GRCh37 (hg19) VCF-style: chr3-58121839-C-G.
Other names: c.4898C>G, p.Ser1633Cys (NM_001164317.2); c.4805C>G, p.Ser1602Cys (NM_001164318.2, NM_001164319.2); short protein forms S1633C, S1602C.
Identifiers: ClinVar variation 3692697 (VCV003692697.2).